The following is an entry in ClinVar:

NM_001267550.2(TTN):c.81064A>G (p.Met27022Val)

Genes: TTN (titin; minus strand), TTN-AS1 (TTN antisense RNA 1; plus strand). Cytogenetic location: 2q31.2.
Variant type: single nucleotide variant.
Coding change: c.81064A>G on transcript NM_001267550.2 (MANE Select); coding-DNA position 81064, A replaced by G.
Protein change: p.Met27022Val; replaces methionine 27022 with valine.
Molecular consequence: missense variant.
Genome position (GRCh38, 1-based): chr2:178,565,068, T>C on the plus strand (A>G on the coding strand, the complement: TTN is on the minus strand). VCF-style: chr2-178565068-T-C. GRCh37 (hg19) VCF-style: chr2-179429795-T-C.
Other names: c.76141A>G, p.Met25381Val (NM_001256850.1); c.53869A>G, p.Met17957Val (NM_003319.4); c.73360A>G, p.Met24454Val (NM_133378.4); c.54244A>G, p.Met18082Val (NM_133432.3); c.54445A>G, p.Met18149Val (NM_133437.4); short protein forms M17957V, M18082V, M18149V, M24454V, M25381V, M27022V.
Identifiers: ClinVar variation 1706917 (VCV001706917.2), dbSNP rs1300719921, ClinGen allele CA349584030.

ClinVar aggregate classification (germline): Uncertain significance (1 of 4 stars; one submission).

Allele frequency attached by ClinVar (database versions not stated): gnomAD 0.00001.
gnomAD v4.1: 7 of 1,613,566 alleles (0.00043%); highest among the groups gnomAD compares: African/African-American, 0.0013%; no homozygotes.

Submission:

GeneDx
Classification: Uncertain significance. Last evaluated: 2022-09-08. Review status: criteria provided, single submitter. Criteria: GeneDx Variant Classification Process June 2021. Collection method: clinical testing. Allele origin: germline. Affected: yes.
Comment: Not observed at significant frequency in large population cohorts (gnomAD); Missense variant in a gene in which most reported pathogenic variants are truncating/loss of function; Has not been previously published as pathogenic or benign to our knowledge; This variant is associated with the following publications: (PMID: 23975875)